The following is an entry in ClinVar:

NM_001353345.2(SETD1B):c.1395C>G (p.Gly465=)

Gene: SETD1B (SET domain containing 1B, histone lysine methyltransferase; plus strand). Cytogenetic location: 12q24.31.
Variant type: single nucleotide variant.
Coding change: c.1395C>G on transcript NM_001353345.2 (MANE Select); coding-DNA position 1395, C replaced by G.
Protein change: p.Gly465=; no amino-acid change (glycine 465 retained).
Molecular consequence: synonymous variant.
Genome position (GRCh38, 1-based): chr12:121,810,340, C>G. VCF-style: chr12-121810340-C-G. GRCh37 (hg19) VCF-style: chr12-122248246-C-G.
Other names: NM_015048.1:c.1395C>G.
Identifiers: ClinVar variation 3351298 (VCV003351298.1).

ClinVar aggregate classification (germline): Likely benign (0 of 4 stars; one submission).

Conditions:
SETD1B-related disorder. Also called: SETD1B-related condition.

gnomAD v4.1: 5 of 1,545,860 alleles (0.00032%); highest among the groups gnomAD compares: East Asian, 0.0049%; no homozygotes.

Submission:

PreventionGenetics, part of Exact Sciences
Classification: Likely benign for SETD1B-related condition. Last evaluated: 2024-05-22. Review status: no assertion criteria provided. Collection method: clinical testing. Allele origin: germline.
Comment: This variant is classified as likely benign based on ACMG/AMP sequence variant interpretation guidelines (Richards et al. 2015 PMID: 25741868, with internal and published modifications).